The following is an entry in ClinVar:

ClinVar aggregate classification (germline): Uncertain significance. Review status: criteria provided, multiple submitters, no conflicts (2 of 4 stars). 2 submissions from 2 submitters: Uncertain significance (2). Last evaluated 2021-10-25.

Conditions:
Dilated cardiomyopathy 1II (CMD1II). Identifiers: Orphanet 154, MedGen C3554649, MONDO:0014073, OMIM 615184.
Myofibrillar myopathy 2. Also called: MYOPATHY, DESMIN-RELATED, ASSOCIATED WITH MUTATION IN THE CRYAB GENE; MYOPATHY, MYOFIBRILLAR, ALPHA-B CRYSTALLIN-RELATED; MYOPATHY, MYOFIBRILLAR, 2A, ADULT-ONSET; MYOPATHY, MYOFIBRILLAR, WITH OR WITHOUT CATARACT AND/OR CARDIOMYOPATHY. Identifiers: Orphanet 280553, Orphanet 399058, MedGen C1837317, MONDO:0012130.

Allele frequency attached by ClinVar (database versions not stated): gnomAD exomes below 0.00001.
gnomAD v4.1: 4 of 1,613,088 alleles (0.00025%); highest among the groups gnomAD compares: Non-Finnish European, 0.00034%; no homozygotes.

Submissions (2):

Genetics and Molecular Pathology, SA Pathology
Classification: Uncertain significance for Myofibrillar myopathy 2. Last evaluated: 2021-10-25. Review status: criteria provided, single submitter. Criteria: ACMG Guidelines, 2015. Collection method: clinical testing. Allele origin: germline. Affected: yes.

Labcorp Genetics (formerly Invitae), Labcorp
Classification: Uncertain significance for Dilated cardiomyopathy 1II. Last evaluated: 2021-10-19. Review status: criteria provided, single submitter. Criteria: Invitae Variant Classification Sherloc (09022015). Collection method: clinical testing. Allele origin: germline.
Comment: This variant is not present in population databases (ExAC no frequency). This sequence change replaces alanine with glycine at codon 168 of the CRYAB protein (p.Ala168Gly). The alanine residue is moderately conserved and there is a small physicochemical difference between alanine and glycine. This variant has not been reported in the literature in individuals affected with CRYAB-related conditions. In summary, the available evidence is currently insufficient to determine the role of this variant in disease. Therefore, it has been classified as a Variant of Uncertain Significance. Algorithms developed to predict the effect of missense changes on protein structure and function (SIFT, PolyPhen-2, Align-GVGD) all suggest that this variant is likely to be tolerated.

NM_001289808.2(CRYAB):c.503C>G (p.Ala168Gly)

Gene: CRYAB (crystallin alpha B; minus strand). Cytogenetic location: 11q23.1.
Variant type: single nucleotide variant.
Coding change: c.503C>G on transcript NM_001289808.2 (MANE Select); coding-DNA position 503, C replaced by G.
Protein change: p.Ala168Gly; replaces alanine 168 with glycine.
Molecular consequence: missense variant.
Genome position (GRCh38, 1-based): chr11:111,908,789, G>C on the plus strand (C>G on the coding strand, the complement: CRYAB is on the minus strand). VCF-style: chr11-111908789-G-C. GRCh37 (hg19) VCF-style: chr11-111779513-G-C.
Other names: c.503C>G, p.Ala168Gly (NM_001289807.1, NM_001368245.1, NM_001885.3); c.302C>G, p.Ala101Gly (NM_001330379.1, NM_001368246.1); short protein forms A101G, A168G.
Identifiers: ClinVar variation 1506812 (VCV001506812.6), dbSNP rs2137378339, ClinGen allele CA382595466.
Genomic context (GRCh38, chr11:111,908,789, plus strand): 5'-TCTTGTTTTAAAAAATGCAATTCAAGAAAGGGCATCTATTTCTTGGGGGCTGCGGTGACA[G>C]CAGGCTTCTCTTCACGGGTGATGGGAATGGTGCGCTCAGGGCCAGAGACCTGTTTCCTTG-3'
Protein context (NP_001276737.1, residues 158-175): TIPITREEKP[Ala168Gly]VTAAPKK